The following is an entry in ClinVar:

ClinVar aggregate classification (germline): Uncertain significance (1 of 4 stars; one submission).

Submission:

Labcorp Genetics (formerly Invitae), Labcorp
Classification: Uncertain significance. Last evaluated: 2022-05-09. Review status: criteria provided, single submitter. Criteria: Invitae Variant Classification Sherloc (09022015). Collection method: clinical testing. Allele origin: germline.
Comment: In summary, the available evidence is currently insufficient to determine the role of this variant in disease. Therefore, it has been classified as a Variant of Uncertain Significance. Algorithms developed to predict the effect of missense changes on protein structure and function are either unavailable or do not agree on the potential impact of this missense change (SIFT: "Deleterious"; PolyPhen-2: "Probably Damaging"; Align-GVGD: "Class C0"). This variant has not been reported in the literature in individuals affected with CCDC88A-related conditions. This variant is not present in population databases (gnomAD no frequency). This sequence change replaces serine, which is neutral and polar, with phenylalanine, which is neutral and non-polar, at codon 1560 of the CCDC88A protein (p.Ser1560Phe).

NM_001365480.1(CCDC88A):c.4682C>T (p.Ser1561Phe)

Gene: CCDC88A (coiled-coil and HOOK domain protein 88A; minus strand). Cytogenetic location: 2p16.1.
Variant type: single nucleotide variant.
Coding change: c.4682C>T on transcript NM_001365480.1 (MANE Select); coding-DNA position 4682, C replaced by T.
Protein change: p.Ser1561Phe; replaces serine 1561 with phenylalanine.
Molecular consequence: missense variant.
Genome position (GRCh38, 1-based): chr2:55,301,268, G>A on the plus strand (C>T on the coding strand, the complement: CCDC88A is on the minus strand). VCF-style: chr2-55301268-G-A. GRCh37 (hg19) VCF-style: chr2-55528404-G-A.
Other names: c.4679C>T, p.Ser1560Phe (NM_001135597.2, NM_001254943.2); c.4598C>T, p.Ser1533Phe (NM_018084.5); short protein forms S1561F, S1560F, S1533F.
Identifiers: ClinVar variation 1992563 (VCV001992563.4), dbSNP rs2544723880, ClinGen allele CA346913550.
Genomic context (GRCh38, chr2:55,301,268, plus strand): 5'-TGAACTCTTGATCCCGTACTAGAATCATCACTAACACCTTGTGGACTTATGTCTTCAAAG[G>A]ATGTAGTATCTACATAAAATAGCAAAATGGATATAAAGATATTTTTGTAATAAAAAACCA-3'
Protein context (NP_001352409.1, residues 1551-1571): KQLVNNKDTT[Ser1561Phe]FEDISPQGVS